The following is an entry in ClinVar:

ClinVar aggregate classification (germline): Likely benign (1 of 4 stars; one submission).

Conditions:
Congenital lactic acidosis, Saguenay-Lac-Saint-Jean type (MC4DN5). Also called: CYTOCHROME c OXIDASE DEFICIENCY, FRENCH CANADIAN TYPE; COX DEFICIENCY, FRENCH CANADIAN TYPE; MITOCHONDRIAL COMPLEX IV DEFICIENCY, NUCLEAR TYPE 5. Identifiers: Orphanet 70472, MedGen C1857355, MONDO:0009069, OMIM 220111.

Allele frequency attached by ClinVar (database versions not stated): gnomAD 0.00150 and 0.00152; TOPMed 0.00162; 1000 Genomes Project 30x 0.00390; 1000 Genomes Project 0.00399.

Submission:

Illumina Laboratory Services, Illumina
Classification: Likely benign for Congenital lactic acidosis, Saguenay-Lac-Saint-Jean type. Last evaluated: 2018-01-13. Review status: criteria provided, single submitter. Criteria: ICSL Variant Classification Criteria 13 December 2019. Collection method: clinical testing. Allele origin: germline.
Comment: This variant was observed in the ICSL laboratory as part of a predisposition screen in an ostensibly healthy population. It had not been previously curated by ICSL or reported in the Human Gene Mutation Database (HGMD: prior to June 1st, 2018), and was therefore a candidate for classification through an automated scoring system. Utilizing variant allele frequency, disease prevalence and penetrance estimates, and inheritance mode, an automated score was calculated to assess if this variant is too frequent to cause the disease. Based on the score and internal cut-off values, a variant classified as likely benign is not then subjected to further curation. The score for this variant resulted in a classification of likely benign for this disease.

NM_133259.4(LRPPRC):c.*1564G>A

Gene: LRPPRC (leucine rich pentatricopeptide repeat containing; minus strand). Cytogenetic location: 2p21.
Variant type: single nucleotide variant.
Coding change: c.*1564G>A on transcript NM_133259.4 (MANE Select); 1564 bases downstream of the stop codon, G replaced by A.
Molecular consequence: 3 prime UTR variant.
Genome position (GRCh38, 1-based): chr2:43,887,036, C>T on the plus strand (G>A on the coding strand, the complement: LRPPRC is on the minus strand). VCF-style: chr2-43887036-C-T. GRCh37 (hg19) VCF-style: chr2-44114175-C-T.
Identifiers: ClinVar variation 336118 (VCV000336118.5), dbSNP rs142436911, ClinGen allele CA10615497.